The following is an entry in ClinVar:

ClinVar aggregate classification (germline): Uncertain significance (1 of 4 stars; one submission).

Conditions:
Neurofibromatosis, type 1 (NF1). Also called: Peripheral type neurofibromatosis; VON RECKLINGHAUSEN DISEASE; NEUROFIBROMATOSIS, TYPE I, SOMATIC; Neurofibromatosis, type I. Identifiers: Orphanet 636, MedGen C0027831, MONDO:0018975, OMIM 162200. Disease mechanism: loss of function.

Submission:

Labcorp Genetics (formerly Invitae), Labcorp
Classification: Uncertain significance for Neurofibromatosis, type 1. Last evaluated: 2022-09-16. Review status: criteria provided, single submitter. Criteria: Invitae Variant Classification Sherloc (09022015). Collection method: clinical testing. Allele origin: germline.
Comment: In summary, the available evidence is currently insufficient to determine the role of this variant in disease. Therefore, it has been classified as a Variant of Uncertain Significance. Algorithms developed to predict the effect of missense changes on protein structure and function (SIFT, PolyPhen-2, Align-GVGD) all suggest that this variant is likely to be tolerated. This variant has not been reported in the literature in individuals affected with NF1-related conditions. This variant is not present in population databases (gnomAD no frequency). This sequence change replaces asparagine, which is neutral and polar, with aspartic acid, which is acidic and polar, at codon 226 of the NF1 protein (p.Asn226Asp).

NM_001042492.3(NF1):c.676A>G (p.Asn226Asp)

Gene: NF1 (neurofibromin 1; plus strand). Cytogenetic location: 17q11.2.
Variant type: single nucleotide variant.
Coding change: c.676A>G on transcript NM_001042492.3 (MANE Select); coding-DNA position 676, A replaced by G.
Protein change: p.Asn226Asp; replaces asparagine 226 with aspartic acid.
Molecular consequence: missense variant.
Genome position (GRCh38, 1-based): chr17:31,181,731, A>G. VCF-style: chr17-31181731-A-G. GRCh37 (hg19) VCF-style: chr17-29508749-A-G.
Other names: c.676A>G, p.Asn226Asp (NM_001128147.3, NM_000267.4); short protein forms N226D.
Identifiers: ClinVar variation 1719625 (VCV001719625.5), dbSNP rs2544749743, ClinGen allele CA398989803.
Genomic context (GRCh38, chr17:31,181,731, plus strand): 5'-AAAAAATCACTGTAAAGACATGTGGTTCTTTATTTATAGGCATTTTGGAACTGGGTAGAA[A>G]ATTATCCAGATGAATTTACAAAACTGTACCAGATCCCACAGACTGATATGGCTGGTAAGG-3'
Protein context (NP_001035957.1, residues 216-236): LEKAFWNWVE[Asn226Asp]YPDEFTKLYQ